The following is an entry in ClinVar:

ClinVar aggregate classification (germline): Conflicting classifications of pathogenicity. Review status: criteria provided, conflicting classifications (1 of 4 stars). 7 submissions from 7 submitters: Uncertain significance (5); Likely benign (2). Last evaluated 2026-06-01.

Conditions:
Melanoma, cutaneous malignant, susceptibility to, 8. Also called: MELANOMA AND RENAL CELL CARCINOMA, SUSCEPTIBILITY TO; Cutaneous malignant melanoma 8. Identifiers: Orphanet 293822, MedGen C3152204, MONDO:0013759, OMIM 614456.
Tietz syndrome (TADS). Also called: HYPOPIGMENTATION/DEAFNESS OF TIETZ; ALBINISM-DEAFNESS OF TIETZ; TIETZ ALBINISM-DEAFNESS SYNDROME. Identifiers: Orphanet 42665, MedGen C0391816, MONDO:0007077, OMIM 103500.
Waardenburg syndrome type 2A (WS2A). Also called: WAARDENBURG SYNDROME WITHOUT DYSTOPIA CANTHORUM. Identifiers: Orphanet 3440, MedGen C1860339, MONDO:0008671, OMIM 193510.

Allele frequency attached by ClinVar (database versions not stated): ExAC 0.00028; gnomAD exomes 0.00033; TOPMed 0.00035; gnomAD 0.00039 and 0.00041; ESP Exome Variant Server 0.00046.
gnomAD v4.1: 777 of 1,612,286 alleles (0.048%); highest among the groups gnomAD compares: Non-Finnish European, 0.062%; no homozygotes.

Submissions (8):

CeGaT Center for Human Genetics Tuebingen
Classification: Likely benign. Last evaluated: 2026-06-01. Review status: criteria provided, single submitter. Criteria: CeGaT Center For Human Genetics Tuebingen Variant Classification Criteria Version 2. Collection method: clinical testing. Allele origin: germline. Affected: yes. Observed: 1 variant allele.
Comment: MITF: BS1

St. Jude Molecular Pathology, St. Jude Children's Research Hospital
Classification: Uncertain significance for Melanoma, cutaneous malignant, susceptibility to, 8. Last evaluated: 2026-02-20. Review status: criteria provided, single submitter. Criteria: St. Jude Assertion Criteria 2020. Collection method: clinical testing. Allele origin: germline.
Comment: The MITF c.560-7T>A intronic change results in a T to A substitution at the -7 position of intron 5 of the MITF gene. Algorithms that p redict the impact of sequence changes on splicing indicate that this change may impact splicing but to our knowledge these predictions have not been confirmed by RNA studies. This variant has a maximum subpopulation frequency of 0.06% in gnomAD v2.1.1. This variant has been reported in an individual with sensorineural hearing loss (PMID: 39062005). To our knowledge, this variant has not been reported in individuals with melanoma and renal cell carcinoma. In summary, the evidence currently available is insufficient to determine the clinical significance of this variant. It has therefore been classified as of uncertain significance.

Labcorp Genetics (formerly Invitae), Labcorp
Classification: Likely benign for Melanoma, cutaneous malignant, susceptibility to, 8; Waardenburg syndrome type 2A; Tietz syndrome. Last evaluated: 2026-02-01. Review status: criteria provided, single submitter. Criteria: Invitae Variant Classification Sherloc (09022015). Collection method: clinical testing. Allele origin: germline.

Center for Genomic Medicine, Rigshospitalet, Copenhagen University Hospital
Classification: Uncertain significance. Last evaluated: 2025-03-04. Review status: criteria provided, single submitter. Criteria: ACMG Guidelines, 2015. Collection method: clinical testing. Allele origin: germline.

GeneDx
Classification: Uncertain significance. Last evaluated: 2022-01-10. Review status: criteria provided, single submitter. Criteria: GeneDx Variant Classification Process June 2021. Collection method: clinical testing. Allele origin: germline. Affected: yes.
Comment: In-silico analysis is inconclusive as to whether the variant alters gene splicing. In the absence of RNA/functional studies, the actual effect of this sequence change is unknown.; Has not been previously published as pathogenic or benign to our knowledge

Institute for Clinical Genetics, University Hospital TU Dresden, University Hospital TU Dresden
Classification: Uncertain significance. Last evaluated: 2021-11-03. Review status: criteria provided, single submitter. Criteria: ACMG Guidelines, 2015. Collection method: clinical testing. Allele origin: germline.

Laboratory for Molecular Medicine, Mass General Brigham Personalized Medicine
Classification: Uncertain significance. Last evaluated: 2016-10-25. Review status: criteria provided, single submitter. Criteria: LMM Criteria. Collection method: clinical testing. Allele origin: germline. Observed: 2 variant alleles.
Comment: The c.560-7T>A variant in MITF has now been identified by our laboratory in two individuals with hearing loss, but one of them had an alternate genetic etiology to explain the hearing loss. This variant has also been identified in 0.05% (30 /64734) of European chromosomes by the Exome Aggregation Consortium (ExAC; dbSNP rs200580325). Although this variant has been se en in the general population, its frequency is not high enough to rule out a pat hogenic role. This variant is located in the 3' splice region. Computational too ls suggest a possible impact to splicing. However, this information is not predi ctive enough to determine pathogenicity. In summary, the clinical significance o f the c.560-7T>A variant is uncertain.

Dr. Peter K. Rogan Lab, Western University
No classification provided (evidence only). Condition: Uveal melanoma. Review status: no classification provided. Collection method: in vitro. Allele origin: not applicable. Functional consequence: retained intron. Not counted in ClinVar's aggregate classification.

NM_001354604.2(MITF):c.881-7T>A

Gene: MITF (melanocyte inducing transcription factor; plus strand). Cytogenetic location: 3p13.
Variant type: single nucleotide variant.
Coding change: c.881-7T>A on transcript NM_001354604.2 (MANE Select); 7 bases into the intron before coding-DNA position 881, T replaced by A.
Molecular consequence: intron variant.
Genome position (GRCh38, 1-based): chr3:69,951,805, T>A. VCF-style: chr3-69951805-T-A. GRCh37 (hg19) VCF-style: chr3-70000956-T-A.
Other names: c.830-25T>A (NM_001354607.2); c.725-25T>A (NM_001354608.2, NM_001184967.2); c.881-25T>A (NM_198159.3); c.878-7T>A (NM_001354605.2); c.878-25T>A (NM_001354606.2, NM_006722.3); c.833-25T>A (NM_198177.3); c.560-7T>A (NM_000248.4); c.560-25T>A (NM_198158.3); and 2 more.
Identifiers: ClinVar variation 488962 (VCV000488962.41), dbSNP rs200580325, ClinGen allele CA2490505.